The following is an entry in ClinVar:

ClinVar aggregate classification (germline): Benign/Likely benign. Review status: criteria provided, multiple submitters, no conflicts (2 of 4 stars). 6 submissions from 6 submitters: Benign (1); Likely benign (5). Last evaluated 2025-10-14.

Conditions:
EPS8-related disorder. Also called: EPS8-related condition.

Allele frequency attached by ClinVar (database versions not stated): 1000 Genomes Project 30x 0.00016; 1000 Genomes Project 0.00020; TOPMed 0.00057; gnomAD 0.00065 and 0.00066; ESP Exome Variant Server 0.00077.
gnomAD v4.1: 835 of 1,613,994 alleles (0.052%); highest among the groups gnomAD compares: Middle Eastern, 0.016%; 2 homozygotes.

Submissions (6):

Labcorp Genetics (formerly Invitae), Labcorp
Classification: Benign. Last evaluated: 2025-10-14. Review status: criteria provided, single submitter. Criteria: Invitae Variant Classification Sherloc (09022015). Collection method: clinical testing. Allele origin: germline.

PreventionGenetics, part of Exact Sciences
Classification: Likely benign for EPS8-related condition. Last evaluated: 2025-03-25. Review status: criteria provided, single submitter. Criteria: ACMG Guidelines, 2015. Collection method: clinical testing. Allele origin: germline.
Comment: This variant is classified as likely benign based on ACMG/AMP sequence variant interpretation guidelines (Richards et al. 2015 PMID: 25741868, with internal and published modifications).

Blueprint Genetics
Classification: Likely benign. Last evaluated: 2024-10-18. Review status: criteria provided, single submitter. Criteria: ACMG Guidelines, 2015. Collection method: clinical testing. Allele origin: germline.

CeGaT Center for Human Genetics Tuebingen
Classification: Likely benign. Last evaluated: 2023-11-01. Review status: criteria provided, single submitter. Criteria: CeGaT Center For Human Genetics Tuebingen Variant Classification Criteria Version 2. Collection method: clinical testing. Allele origin: germline. Affected: yes. Observed: 1 variant allele.
Comment: EPS8: BP4, BP7

GeneDx
Classification: Likely benign. Last evaluated: 2021-03-12. Review status: criteria provided, single submitter. Criteria: GeneDx Variant Classification Process June 2021. Collection method: clinical testing. Allele origin: germline. Affected: yes.

Breakthrough Genomics
Classification: Likely benign. Review status: criteria provided, single submitter. Criteria: ACMG Guidelines, 2015. Collection method: not provided. Allele origin: germline. Inheritance: Autosomal recessive inheritance. Affected: yes.

NM_004447.6(EPS8):c.1878T>A (p.Pro626=)

Gene: EPS8 (EGFR pathway substrate 8, signaling adaptor; minus strand). Cytogenetic location: 12p12.3.
Variant type: single nucleotide variant.
Coding change: c.1878T>A on transcript NM_004447.6 (MANE Select); coding-DNA position 1878, T replaced by A.
Protein change: p.Pro626=; no amino-acid change (proline 626 retained).
Molecular consequence: synonymous variant.
Genome position (GRCh38, 1-based): chr12:15,631,608, A>T on the plus strand (T>A on the coding strand, the complement: EPS8 is on the minus strand). VCF-style: chr12-15631608-A-T. GRCh37 (hg19) VCF-style: chr12-15784542-A-T.
Identifiers: ClinVar variation 748556 (VCV000748556.36), dbSNP rs34393715, ClinGen allele CA6467415.
Genomic context (GRCh38, chr12:15,631,608, plus strand): 5'-AGGAACAGGTGCTGGAGTGGAAGGGGGAAGGGGAACAGGAACAGGAGCTGGTGTTGGAGG[A>T]GGTGATGGAGCAGGGGGAGTATCAGCTGGTCTTGGGCCATACTCCATCCTTTGTTTCTAT-3'
Protein context (NP_004438.3, residues 616-636): RPADTPPAPS[Pro626=]PPTPAPVPVP